The following is an entry in ClinVar:

ClinVar aggregate classification (germline): Pathogenic (1 of 4 stars; one submission).

Allele frequency attached by ClinVar (database versions not stated): ExAC 0.00002.

Submission:

Labcorp Genetics (formerly Invitae), Labcorp
Classification: Pathogenic. Last evaluated: 2023-10-27. Review status: criteria provided, single submitter. Criteria: Invitae Variant Classification Sherloc (09022015). Collection method: clinical testing. Allele origin: germline.
Comment: This sequence change creates a premature translational stop signal (p.Glu442*) in the HPS5 gene. It is expected to result in an absent or disrupted protein product. Loss-of-function variants in HPS5 are known to be pathogenic (PMID: 12548288, 15296495, 21833017, 26785811). The frequency data for this variant in the population databases is considered unreliable, as metrics indicate poor data quality at this position in the gnomAD database. This variant has not been reported in the literature in individuals affected with HPS5-related conditions. Algorithms developed to predict the effect of sequence changes on RNA splicing suggest that this variant may disrupt the consensus splice site. For these reasons, this variant has been classified as Pathogenic.

Literature cited by the submitters: PubMed 12548288; PubMed 15296495; PubMed 21833017; PubMed 26785811.

NM_181507.2(HPS5):c.1324G>T (p.Glu442Ter)

Gene: HPS5 (HPS5 biogenesis of lysosomal organelles complex 2 subunit 2; minus strand). Cytogenetic location: 11p15.1.
Variant type: single nucleotide variant.
Coding change: c.1324G>T on transcript NM_181507.2 (MANE Select); coding-DNA position 1324, G replaced by T.
Protein change: p.Glu442Ter; replaces glutamic acid 442 with a stop codon.
Molecular consequence: nonsense.
Genome position (GRCh38, 1-based): chr11:18,296,984, C>A on the plus strand (G>T on the coding strand, the complement: HPS5 is on the minus strand). VCF-style: chr11-18296984-C-A. GRCh37 (hg19) VCF-style: chr11-18318531-C-A.
Other names: c.982G>T, p.Glu328Ter (NM_007216.4, NM_181508.2); short protein forms E442*, E328*.
Identifiers: ClinVar variation 2994717 (VCV002994717.3), dbSNP rs769197301, ClinGen allele CA5910157.